The following is an entry in ClinVar:

ClinVar aggregate classification (germline): Uncertain significance (1 of 4 stars; one submission).

Conditions:
Early-infantile DEE. Also called: Early infantile epileptic encephalopathy; Ohtahara syndrome; Early infantile epileptic encephalopathy with suppression bursts. Identifiers: Orphanet 1934, MedGen C0393706, MONDO:0800491.

Submission:

Labcorp Genetics (formerly Invitae), Labcorp
Classification: Uncertain significance for Early-infantile DEE. Last evaluated: 2023-02-03. Review status: criteria provided, single submitter. Criteria: Invitae Variant Classification Sherloc (09022015). Collection method: clinical testing. Allele origin: germline.
Comment: This sequence change replaces alanine, which is neutral and non-polar, with glycine, which is neutral and non-polar, at codon 623 of the SPTAN1 protein (p.Ala623Gly). This variant is not present in population databases (gnomAD no frequency). This variant has not been reported in the literature in individuals affected with SPTAN1-related conditions. Algorithms developed to predict the effect of missense changes on protein structure and function (SIFT, PolyPhen-2, Align-GVGD) all suggest that this variant is likely to be disruptive. In summary, the available evidence is currently insufficient to determine the role of this variant in disease. Therefore, it has been classified as a Variant of Uncertain Significance.

NM_001130438.3(SPTAN1):c.1868C>G (p.Ala623Gly)

Gene: SPTAN1 (spectrin alpha, non-erythrocytic 1; plus strand). Cytogenetic location: 9q34.11.
Variant type: single nucleotide variant.
Coding change: c.1868C>G on transcript NM_001130438.3 (MANE Select); coding-DNA position 1868, C replaced by G.
Protein change: p.Ala623Gly; replaces alanine 623 with glycine.
Molecular consequence: missense variant.
Genome position (GRCh38, 1-based): chr9:128,583,138, C>G. VCF-style: chr9-128583138-C-G. GRCh37 (hg19) VCF-style: chr9-131345417-C-G.
Other names: c.1868C>G, p.Ala623Gly (NM_001195532.2, NM_001363759.2, NM_001363765.2 and 5 more transcripts); c.1904C>G, p.Ala635Gly (NM_001375312.2, NM_001375318.1); short protein forms A635G, A623G.
Identifiers: ClinVar variation 2004121 (VCV002004121.4), dbSNP rs2541168578, ClinGen allele CA375055611.